The following is an entry in ClinVar:

ClinVar aggregate classification (germline): Uncertain significance. Review status: criteria provided, multiple submitters, no conflicts (2 of 4 stars). 3 submissions from 3 submitters: Uncertain significance (3). Last evaluated 2026-09-23.

Conditions:
Inborn genetic diseases. Identifiers: MedGen C0950123, MeSH D030342.
ALG12-congenital disorder of glycosylation (CDG1G). Also called: CDG Ig; ALG12-CDG; Congenital disorder of glycosylation, type Ig. Identifiers: Orphanet 79324, MedGen C2931001, MONDO:0011783, OMIM 607143.

Allele frequency attached by ClinVar (database versions not stated): ExAC 0.00002; ESP Exome Variant Server 0.00008; gnomAD 0.00005; gnomAD exomes 0.00006 and 0.00008; TOPMed 0.00004.
gnomAD v4.1: 120 of 1,614,082 alleles (0.0074%); highest among the groups gnomAD compares: Non-Finnish European, 0.0096%; no homozygotes.

Submissions (3):

GeneDx
Classification: Uncertain significance. Last evaluated: 2026-09-23. Review status: criteria provided, single submitter. Criteria: GeneDx Variant Classification Process June 2021. Collection method: clinical testing. Allele origin: germline.
Comment: Not observed at significant frequency in large population cohorts (gnomAD); In silico analysis supports that this missense variant has a deleterious effect on protein structure/function; Has not been previously published as pathogenic or benign to our knowledge

Ambry Genetics
Classification: Uncertain significance for Inborn genetic diseases. Last evaluated: 2024-04-06. Review status: criteria provided, single submitter. Criteria: Ambry Variant Classification Scheme 2023. Collection method: clinical testing. Allele origin: germline.

Labcorp Genetics (formerly Invitae), Labcorp
Classification: Uncertain significance for ALG12-congenital disorder of glycosylation. Last evaluated: 2022-09-07. Review status: criteria provided, single submitter. Criteria: Invitae Variant Classification Sherloc (09022015). Collection method: clinical testing. Allele origin: germline.
Comment: This sequence change replaces tyrosine, which is neutral and polar, with cysteine, which is neutral and slightly polar, at codon 444 of the ALG12 protein (p.Tyr444Cys). This variant is present in population databases (rs374858734, gnomAD 0.01%). This variant has not been reported in the literature in individuals affected with ALG12-related conditions. ClinVar contains an entry for this variant (Variation ID: 1312966). Algorithms developed to predict the effect of missense changes on protein structure and function are either unavailable or do not agree on the potential impact of this missense change (SIFT: "Deleterious"; PolyPhen-2: "Probably Damaging"; Align-GVGD: "Class C15"). In summary, the available evidence is currently insufficient to determine the role of this variant in disease. Therefore, it has been classified as a Variant of Uncertain Significance.

NM_024105.4(ALG12):c.1331A>G (p.Tyr444Cys)

Gene: ALG12 (ALG12 alpha-1,6-mannosyltransferase; minus strand). Cytogenetic location: 22q13.33.
Variant type: single nucleotide variant.
Coding change: c.1331A>G on transcript NM_024105.4 (MANE Select); coding-DNA position 1331, A replaced by G.
Protein change: p.Tyr444Cys; replaces tyrosine 444 with cysteine.
Molecular consequence: missense variant.
Genome position (GRCh38, 1-based): chr22:49,903,974, T>C on the plus strand (A>G on the coding strand, the complement: ALG12 is on the minus strand). VCF-style: chr22-49903974-T-C. GRCh37 (hg19) VCF-style: chr22-50297622-T-C.
Other names: short protein forms Y444C.
Identifiers: ClinVar variation 1312966 (VCV001312966.9), dbSNP rs374858734, ClinGen allele CA10300242.